The following is an entry in ClinVar:

ClinVar aggregate classification (germline): Uncertain significance (1 of 4 stars; one submission).

Conditions:
Essential fructosuria. Also called: HEPATIC FRUCTOKINASE DEFICIENCY; KETOHEXOKINASE DEFICIENCY. Identifiers: Orphanet 2056, MedGen C0268160, MONDO:0009252, OMIM 229800.

Allele frequency attached by ClinVar (database versions not stated): gnomAD 0.00006 and 0.00007; ESP Exome Variant Server 0.00008; TOPMed 0.00008; gnomAD exomes 0.00009 and 0.00013; ExAC 0.00013.
gnomAD v4.1: 197 of 1,614,130 alleles (0.012%); highest among the groups gnomAD compares: Non-Finnish European, 0.016%; no homozygotes.

Submission:

Illumina Laboratory Services, Illumina
Classification: Uncertain significance for Essential fructosuria. Last evaluated: 2017-04-28. Review status: criteria provided, single submitter. Criteria: ICSL Variant Classification Criteria 13 December 2019. Collection method: clinical testing. Allele origin: germline.
Comment: This variant was observed as part of a predisposition screen in an ostensibly healthy population. A literature search was performed for the gene, cDNA change, and amino acid change (where applicable). Publications were found based on this search. However, the evidence from the literature, in combination with allele frequency data from public databases where available, was not sufficient to rule this variant in or out of causing disease. Therefore, this variant is classified as a variant of unknown significance.

Literature cited by the submitters: PubMed 19237742; PubMed 9799106.

NM_006488.3(KHK):c.210-199T>C

Gene: KHK (ketohexokinase; plus strand). Cytogenetic location: 2p23.3.
Variant type: single nucleotide variant.
Coding change: c.210-199T>C on transcript NM_006488.3 (MANE Select); 199 bases into the intron before coding-DNA position 210, T replaced by C.
Molecular consequence: intron variant. On other transcripts: missense variant (1).
Genome position (GRCh38, 1-based): chr2:27,094,601, T>C. VCF-style: chr2-27094601-T-C. GRCh37 (hg19) VCF-style: chr2-27317469-T-C.
Other names: c.334T>C, p.Tyr112His (NM_000221.3); short protein forms Y112H.
Identifiers: ClinVar variation 897188 (VCV000897188.4), dbSNP rs201650300, ClinGen allele CA1569179.